The following is an entry in ClinVar:

ClinVar aggregate classification (germline): Pathogenic (1 of 4 stars; one submission).

Conditions:
Hereditary diffuse gastric adenocarcinoma (HDGC). Also called: DIFFUSE GASTRIC AND LOBULAR BREAST CANCER SYNDROME. Identifiers: Orphanet 26106, MedGen C1708349, MONDO:0007648, OMIM 137215.

Submission:

Labcorp Genetics (formerly Invitae), Labcorp
Classification: Pathogenic for Hereditary diffuse gastric adenocarcinoma. Last evaluated: 2022-11-25. Review status: criteria provided, single submitter. Criteria: Invitae Variant Classification Sherloc (09022015). Collection method: clinical testing. Allele origin: germline.
Comment: This sequence change creates a premature translational stop signal (p.Gln771Thrfs*10) in the CDH1 gene. It is expected to result in an absent or disrupted protein product. Loss-of-function variants in CDH1 are known to be pathogenic (PMID: 15235021, 20373070). This variant is not present in population databases (gnomAD no frequency). This variant has not been reported in the literature in individuals affected with CDH1-related conditions. For these reasons, this variant has been classified as Pathogenic.

Literature cited by the submitters: PubMed 15235021; PubMed 20373070.

NM_004360.5(CDH1):c.2311_2317del (p.Gln771fs)

Gene: CDH1 (cadherin 1; plus strand). Cytogenetic location: 16q22.1.
Variant type: Deletion.
Coding change: c.2311_2317del on transcript NM_004360.5 (MANE Select); coding-DNA positions 2311 to 2317, 7 bases deleted (CAGCTGC; older notation c.2311_2317delCAGCTGC).
Protein change: p.Gln771fs; shifts the reading frame from glutamine 771.
Molecular consequence: frameshift variant.
Genome position (GRCh38, 1-based): chr16:68,829,669-68,829,675, CAGCTGC deleted; deleting any 7 consecutive bases within chr16:68,829,667-68,829,675 gives the same sequence; the c. name uses the placement nearest the transcript's 3' end. VCF-style (leftmost placement, unchanged base first): chr16-68829666-AGCCAGCT-A. GRCh37 (hg19) VCF-style: chr16-68863569-AGCCAGCT-A.
Other names: c.2128_2134del, p.Gln710fs (NM_001317184.2); c.763_769del, p.Gln255fs (NM_001317185.2); c.346_352del, p.Gln116fs (NM_001317186.2); short protein forms Q710fs, Q255fs, Q771fs, Q116fs.
Identifiers: ClinVar variation 2031172 (VCV002031172.4), dbSNP rs2543956771, ClinGen allele CA2580092036.